The following is an entry in ClinVar:

ClinVar aggregate classification (germline): Likely pathogenic (1 of 4 stars; one submission).

Conditions:
Glycogen storage disease, type VII (GSD7). Also called: GSD VII; MUSCLE PHOSPHOFRUCTOKINASE DEFICIENCY; PFKM DEFICIENCY; TARUI DISEASE. Identifiers: Orphanet 371, MedGen C0017926, MONDO:0009295, OMIM 232800.

Submission:

Labcorp Genetics (formerly Invitae), Labcorp
Classification: Likely pathogenic for Glycogen storage disease, type VII. Last evaluated: 2023-05-21. Review status: criteria provided, single submitter. Criteria: Invitae Variant Classification Sherloc (09022015). Collection method: clinical testing. Allele origin: germline.
Comment: This variant has not been reported in the literature in individuals affected with PFKM-related conditions. Algorithms developed to predict the effect of sequence changes on RNA splicing suggest that this variant may disrupt the consensus splice site. In summary, the currently available evidence indicates that the variant is pathogenic, but additional data are needed to prove that conclusively. Therefore, this variant has been classified as Likely Pathogenic. This variant is not present in population databases (gnomAD no frequency). This sequence change affects a donor splice site in intron 21 of the PFKM gene. It is expected to disrupt RNA splicing. Variants that disrupt the donor or acceptor splice site typically lead to a loss of protein function (PMID: 16199547), and loss-of-function variants in PFKM are known to be pathogenic (PMID: 7825568, 8037209).

Literature cited by the submitters: PubMed 16199547; PubMed 7825568; PubMed 8037209.

NM_000289.6(PFKM):c.2092+2T>C

Gene: PFKM (phosphofructokinase, muscle; plus strand). Cytogenetic location: 12q13.11.
Variant type: single nucleotide variant.
Coding change: c.2092+2T>C on transcript NM_000289.6 (MANE Select); the canonical splice donor site of the intron after coding-DNA position 2092, T replaced by C.
Molecular consequence: splice donor variant.
Genome position (GRCh38, 1-based): chr12:48,145,132, T>C. VCF-style: chr12-48145132-T-C. GRCh37 (hg19) VCF-style: chr12-48538915-T-C.
Other names: c.2116+2T>C (NM_001354741.2); c.2092+2T>C (NM_001354742.2, NM_001354743.2, NM_001354744.2 and 2 more transcripts); c.1942+2T>C (NM_001354747.2, NM_001354748.2); c.2305+2T>C (NM_001166686.2, NM_001354737.1, NM_001354739.1 and 1 more transcripts); c.2401+2T>C (NM_001354736.1, NM_001354735.1); c.2236+2T>C (NM_001354740.1); c.2005+2T>C (NM_001354745.2); c.1966+2T>C (NM_001354746.2); and 1 more.
Identifiers: ClinVar variation 2890107 (VCV002890107.3), dbSNP rs2498679839, ClinGen allele CA384555942.